The following is an entry in ClinVar:

ClinVar aggregate classification (germline): Conflicting classifications of pathogenicity. Review status: criteria provided, conflicting classifications (1 of 4 stars). 2 submissions from 1 submitter: Uncertain significance (1); Benign (1). Last evaluated 2018-01-12.

Conditions:
Renal tubular dysgenesis. Also called: Renotubular dysgenesis. Identifiers: Orphanet 3033, MedGen C0266313, MONDO:0017609, HP:0008660.
Familial juvenile hyperuricemic nephropathy type 2 (ADTKD4). Also called: Autosomal Dominant Tubulointerstitial Kidney Disease – REN; EARLY-ONSET HYPERURICEMIA, ANEMIA, AND PROGRESSIVE KIDNEY FAILURE. Identifiers: Orphanet 217330, MedGen C2751310, MONDO:0013128, OMIM 613092.

Allele frequency attached by ClinVar (database versions not stated): gnomAD 0.00001 and 0.00003; gnomAD exomes 0.00001 and 0.00004; ExAC 0.00002; TOPMed 0.00002; 1000 Genomes Project 30x 0.00031; 1000 Genomes Project 0.00040.

Submissions (2):

Illumina Laboratory Services, Illumina
Classification: Benign for Familial juvenile hyperuricemic nephropathy type 2. Last evaluated: 2018-01-12. Review status: criteria provided, single submitter. Criteria: ICSL Variant Classification Criteria 13 December 2019. Collection method: clinical testing. Allele origin: germline.
Comment: This variant was observed in the ICSL laboratory as part of a predisposition screen in an ostensibly healthy population. It had not been previously curated by ICSL or reported in the Human Gene Mutation Database (HGMD: prior to June 1st, 2018), and was therefore a candidate for classification through an automated scoring system. Utilizing variant allele frequency, disease prevalence and penetrance estimates, and inheritance mode, an automated score was calculated to assess if this variant is too frequent to cause the disease. Based on the score and internal cut-off values, a variant classified as benign is not then subjected to further curation. The score for this variant resulted in a classification of benign for this disease.

Illumina Laboratory Services, Illumina
Classification: Uncertain significance for Renal tubular dysgenesis of genetic origin. Last evaluated: 2018-01-12. Review status: criteria provided, single submitter. Criteria: ICSL Variant Classification Criteria 13 December 2019. Collection method: clinical testing. Allele origin: germline.

NM_000537.4(REN):c.1118C>T (p.Pro373Leu)

Gene: REN (renin; minus strand). Cytogenetic location: 1q32.1.
Variant type: single nucleotide variant.
Coding change: c.1118C>T on transcript NM_000537.4 (MANE Select); coding-DNA position 1118, C replaced by T.
Protein change: p.Pro373Leu; replaces proline 373 with leucine.
Molecular consequence: missense variant.
Genome position (GRCh38, 1-based): chr1:204,155,119, G>A on the plus strand (C>T on the coding strand, the complement: REN is on the minus strand). VCF-style: chr1-204155119-G-A. GRCh37 (hg19) VCF-style: chr1-204124247-G-A.
Other names: short protein forms P373L.
Identifiers: ClinVar variation 876615 (VCV000876615.4), dbSNP rs529829189, ClinGen allele CA1344648.